The following is an entry in ClinVar:

NM_024675.4(PALB2):c.484T>G (p.Cys162Gly)

Gene: PALB2 (partner and localizer of BRCA2; minus strand). Cytogenetic location: 16p12.2.
Variant type: single nucleotide variant.
Coding change: c.484T>G on transcript NM_024675.4 (MANE Select); coding-DNA position 484, T replaced by G.
Protein change: p.Cys162Gly; replaces cysteine 162 with glycine.
Molecular consequence: missense variant. On other transcripts: 5 prime UTR variant (8), intron variant (3).
Genome position (GRCh38, 1-based): chr16:23,636,062, A>C on the plus strand (T>G on the coding strand, the complement: PALB2 is on the minus strand). VCF-style: chr16-23636062-A-C. GRCh37 (hg19) VCF-style: chr16-23647383-A-C.
Other names: c.424T>G, p.Cys142Gly (NM_001407296.1); c.484T>G, p.Cys162Gly (NM_001407297.1, NM_001407298.1, NM_001407299.1 and 3 more transcripts); c.-402T>G (NM_001407304.1, NM_001407305.1, NM_001407306.1 and 5 more transcripts); c.48+5048T>G (NM_001407314.1); c.-105+5048T>G (NM_001407313.1, NM_001407312.1); short protein forms C162G, C142G.
Identifiers: ClinVar variation 2858551 (VCV002858551.3), dbSNP rs2142442315, ClinGen allele CA395137103.
Genomic context (GRCh38, chr16:23,636,062, plus strand): 5'-TTTCTTCCTGTTCCTTTAGTCTTTTCCCAGACAATCTGAGTGAATCAGTGCCAAAGACAC[A>C]GTCTCTCTCCTGTGAAATAAATGTCCTCTTCTGCTGCTTCTTTCTTCTGCTTGGCAGCTT-3'
Protein context (NP_078951.2, residues 152-172): KRTFISQERD[Cys162Gly]VFGTDSLRLS

ClinVar aggregate classification (germline): Uncertain significance (1 of 4 stars; one submission).

Conditions:
Familial cancer of breast. Also called: Hereditary breast cancer; BREAST CANCER, FAMILIAL; hereditary breast carcinoma. Identifiers: Orphanet 227535, MedGen C0346153, MONDO:0016419, OMIM 114480. Disease mechanism: loss of function.

Submission:

Labcorp Genetics (formerly Invitae), Labcorp
Classification: Uncertain significance for Familial cancer of breast. Last evaluated: 2023-07-03. Review status: criteria provided, single submitter. Criteria: Invitae Variant Classification Sherloc (09022015). Collection method: clinical testing. Allele origin: germline.
Comment: Algorithms developed to predict the effect of missense changes on protein structure and function output the following: SIFT: "Not Available"; PolyPhen-2: "Benign"; Align-GVGD: "Not Available". The glycine amino acid residue is found in multiple mammalian species, which suggests that this missense change does not adversely affect protein function. In summary, the available evidence is currently insufficient to determine the role of this variant in disease. Therefore, it has been classified as a Variant of Uncertain Significance. This variant has not been reported in the literature in individuals affected with PALB2-related conditions. This variant is not present in population databases (gnomAD no frequency). This sequence change replaces cysteine, which is neutral and slightly polar, with glycine, which is neutral and non-polar, at codon 162 of the PALB2 protein (p.Cys162Gly).